The following is an entry in ClinVar:

NM_001035.3(RYR2):c.8399T>C (p.Leu2800Pro)

Gene: RYR2 (ryanodine receptor 2; plus strand). Cytogenetic location: 1q43.
Variant type: single nucleotide variant.
Coding change: c.8399T>C on transcript NM_001035.3 (MANE Select); coding-DNA position 8399, T replaced by C.
Protein change: p.Leu2800Pro; replaces leucine 2800 with proline.
Molecular consequence: missense variant.
Genome position (GRCh38, 1-based): chr1:237,660,910, T>C. VCF-style: chr1-237660910-T-C. GRCh37 (hg19) VCF-style: chr1-237824210-T-C.
Other names: short protein forms L2800P.
Identifiers: ClinVar variation 2828651 (VCV002828651.3), dbSNP rs1217695369, ClinGen allele CA345401949.

ClinVar aggregate classification (germline): Uncertain significance (1 of 4 stars; one submission).

Conditions:
Catecholaminergic polymorphic ventricular tachycardia 1. Also called: VENTRICULAR TACHYCARDIA, CATECHOLAMINERGIC POLYMORPHIC, 1, WITH OR WITHOUT ATRIAL DYSFUNCTION AND/OR DILATED CARDIOMYOPATHY; VENTRICULAR TACHYCARDIA, STRESS-INDUCED POLYMORPHIC 1; RYR2-Related Catecholaminergic Polymorphic Ventricular Tachycardia. Identifiers: Orphanet 3286, MedGen C1631597, MONDO:0011484, OMIM 604772.

Submission:

Labcorp Genetics (formerly Invitae), Labcorp
Classification: Uncertain significance for Catecholaminergic polymorphic ventricular tachycardia 1. Last evaluated: 2023-01-15. Review status: criteria provided, single submitter. Criteria: Invitae Variant Classification Sherloc (09022015). Collection method: clinical testing. Allele origin: germline.
Comment: In summary, the available evidence is currently insufficient to determine the role of this variant in disease. Therefore, it has been classified as a Variant of Uncertain Significance. Advanced modeling of protein sequence and biophysical properties (such as structural, functional, and spatial information, amino acid conservation, physicochemical variation, residue mobility, and thermodynamic stability) performed at Invitae indicates that this missense variant is not expected to disrupt RYR2 protein function. This variant has not been reported in the literature in individuals affected with RYR2-related conditions. This variant is not present in population databases (gnomAD no frequency). This sequence change replaces leucine, which is neutral and non-polar, with proline, which is neutral and non-polar, at codon 2800 of the RYR2 protein (p.Leu2800Pro).